The following is an entry in ClinVar:

NM_032242.4(PLXNA1):c.4158C>T (p.Arg1386=)

Gene: PLXNA1 (plexin A1; plus strand). Cytogenetic location: 3q21.3.
Variant type: single nucleotide variant.
Coding change: c.4158C>T on transcript NM_032242.4 (MANE Select); coding-DNA position 4158, C replaced by T.
Protein change: p.Arg1386=; no amino-acid change (arginine 1386 retained).
Molecular consequence: synonymous variant.
Genome position (GRCh38, 1-based): chr3:127,022,204, C>T. VCF-style: chr3-127022204-C-T. GRCh37 (hg19) VCF-style: chr3-126741047-C-T.
Identifiers: ClinVar variation 3032342 (VCV003032342.2), dbSNP rs569459380, ClinGen allele CA2594251.

ClinVar aggregate classification (germline): Likely benign (0 of 4 stars; one submission).

Conditions:
PLXNA1-related disorder. Also called: PLXNA1-related condition.

Allele frequency attached by ClinVar (database versions not stated): gnomAD 0.00002; gnomAD exomes 0.00002; TOPMed 0.00002; ExAC 0.00003; 1000 Genomes Project 0.00020; 1000 Genomes Project 30x 0.00031.
gnomAD v4.1: 27 of 1,613,370 alleles (0.0017%); highest among the groups gnomAD compares: African/African-American, 0.012%; no homozygotes.

Submission:

PreventionGenetics, part of Exact Sciences
Classification: Likely benign for PLXNA1-related condition. Last evaluated: 2023-10-12. Review status: no assertion criteria provided. Collection method: clinical testing. Allele origin: germline.
Comment: This variant is classified as likely benign based on ACMG/AMP sequence variant interpretation guidelines (Richards et al. 2015 PMID: 25741868, with internal and published modifications).